The following is an entry in ClinVar:

NM_014423.4(AFF4):c.164T>C (p.Met55Thr)

Gene: AFF4 (ALF transcription elongation factor 4; minus strand). Cytogenetic location: 5q31.1.
Variant type: single nucleotide variant.
Coding change: c.164T>C on transcript NM_014423.4 (MANE Select); coding-DNA position 164, T replaced by C.
Protein change: p.Met55Thr; replaces methionine 55 with threonine.
Molecular consequence: missense variant.
Genome position (GRCh38, 1-based): chr5:132,934,901, A>G on the plus strand (T>C on the coding strand, the complement: AFF4 is on the minus strand). VCF-style: chr5-132934901-A-G. GRCh37 (hg19) VCF-style: chr5-132270593-A-G.
Other names: c.164T>C (NM_014423.3); short protein forms M55T.
Identifiers: ClinVar variation 1497312 (VCV001497312.7), dbSNP rs372786258, ClinGen allele CA3409475.
Genomic context (GRCh38, chr5:132,934,901, plus strand): 5'-ACAAGCTTTGGTATAGATCTGTCTCCTATGAAATCCTTCATTTCATCGTAGTTTCCAAGC[A>G]TACTCTGAATACGACTTGATAACTTATCTTCTTTGCTAGTCTACAAAAAAATAAAATAAA-3'
Protein context (NP_055238.1, residues 45-65): EDKLSSRIQS[Met55Thr]LGNYDEMKDF

ClinVar aggregate classification (germline): Uncertain significance. Review status: criteria provided, single submitter (1 of 4 stars). 2 submissions from 2 submitters: Uncertain significance (1). 1 of the submissions does not count toward it. Last evaluated 2025-04-07.

Conditions:
Cognitive impairment - coarse facies - heart defects - obesity - pulmonary involvement - short stature - skeletal dysplasia syndrome. Also called: COGNITIVE IMPAIRMENT, COARSE FACIES, HEART DEFECTS, OBESITY, PULMONARY INVOLVEMENT, SHORT STATURE, AND SKELETAL DYSPLASIA; Chops syndrome; AFF4-Related CHOPS Syndrome. Identifiers: Orphanet 444077, MedGen C4085597, MONDO:0014609, OMIM 616368.
AFF4-related disorder. Also called: AFF4-related condition.

Allele frequency attached by ClinVar (database versions not stated): ESP Exome Variant Server 0.00008; gnomAD exomes below 0.00001 and 0.00001; gnomAD 0.00001; ExAC 0.00002; TOPMed 0.00002.
gnomAD v4.1: 4 of 1,611,018 alleles (0.00025%); highest among the groups gnomAD compares: African/African-American, 0.0013%; no homozygotes.

Submissions (2):

Labcorp Genetics (formerly Invitae), Labcorp
Classification: Uncertain significance for Cognitive impairment - coarse facies - heart defects - obesity - pulmonary involvement - short stature - skeletal dysplasia syndrome. Last evaluated: 2025-04-07. Review status: criteria provided, single submitter. Criteria: Invitae Variant Classification Sherloc (09022015). Collection method: clinical testing. Allele origin: germline.
Comment: This sequence change replaces methionine, which is neutral and non-polar, with threonine, which is neutral and polar, at codon 55 of the AFF4 protein (p.Met55Thr). This variant is present in population databases (rs372786258, gnomAD 0.003%). This variant has not been reported in the literature in individuals affected with AFF4-related conditions. ClinVar contains an entry for this variant (Variation ID: 1497312). Invitae Evidence Modeling of protein sequence and biophysical properties (such as structural, functional, and spatial information, amino acid conservation, physicochemical variation, residue mobility, and thermodynamic stability) indicates that this missense variant is not expected to disrupt AFF4 protein function with a negative predictive value of 80%. In summary, the available evidence is currently insufficient to determine the role of this variant in disease. Therefore, it has been classified as a Variant of Uncertain Significance.

PreventionGenetics, part of Exact Sciences
Classification: Uncertain significance for AFF4-related condition. Last evaluated: 2024-06-07. Review status: no assertion criteria provided. Collection method: clinical testing. Allele origin: germline. Not counted in ClinVar's aggregate classification.
Comment: The AFF4 c.164T>C variant is predicted to result in the amino acid substitution p.Met55Thr. To our knowledge, this variant has not been reported in individuals affected by AFF4-related disease. This variant is reported in 0.0018% of alleles in individuals of European (Non-Finnish) descent in gnomAD. At this time, the clinical significance of this variant is uncertain due to the absence of conclusive functional and genetic evidence.